The following is an entry in ClinVar:

NM_007194.4(CHEK2):c.1334dup (p.Tyr445Ter)

Gene: CHEK2 (checkpoint kinase 2; minus strand). Cytogenetic location: 22q12.1.
Variant type: Duplication.
Coding change: c.1334dup on transcript NM_007194.4 (MANE Select); coding-DNA position 1334, one base duplicated (A; older notation c.1334dupA).
Protein change: p.Tyr445Ter; replaces tyrosine 445 with a stop codon.
Molecular consequence: nonsense. On other transcripts: frameshift variant (4).
Genome position (GRCh38, 1-based): chr22:28,695,168, T duplicated on the plus strand (A on the coding strand, the reverse complement: CHEK2 is on the minus strand). VCF-style (leftmost placement, unchanged base first): chr22-28695167-G-GT. GRCh37 (hg19) VCF-style: chr22-29091155-G-GT.
Other names: c.1463dup, p.Tyr488Terfs (NM_001005735.3); c.671dup, p.Tyr224Terfs (NM_001257387.3); c.1133dup, p.Tyr378Terfs (NM_001349956.3); c.1247dup, p.Tyr416Terfs (NM_145862.3); short protein forms Y224*, Y378*, Y416*, Y445*, Y488*.
Identifiers: ClinVar variation 818971 (VCV000818971.11), dbSNP rs1214213337, ClinGen allele CA638797901.

ClinVar aggregate classification (germline): Pathogenic. Review status: criteria provided, multiple submitters, no conflicts (2 of 4 stars). 2 submissions from 2 submitters: Pathogenic (2). Last evaluated 2023-04-03.

Conditions:
Familial cancer of breast. Also called: hereditary breast carcinoma; Hereditary breast cancer; BREAST CANCER, FAMILIAL. Identifiers: Orphanet 227535, MedGen C0346153, MONDO:0016419, OMIM 114480. Disease mechanism: loss of function.
Hereditary cancer-predisposing syndrome. Also called: Tumor predisposition; Hereditary neoplastic syndrome; Neoplastic Syndromes, Hereditary; Hereditary Cancer Syndrome. Identifiers: Orphanet 140162, MedGen C0027672, MeSH D009386, MONDO:0015356.

Allele frequency attached by ClinVar (database versions not stated): TOPMed below 0.00001.

Submissions (2):

Ambry Genetics
Classification: Pathogenic for Hereditary cancer-predisposing syndrome. Last evaluated: 2023-04-03. Review status: criteria provided, single submitter. Criteria: Ambry Variant Classification Scheme 2023. Collection method: clinical testing. Allele origin: germline.
Comment: The c.1334dupA pathogenic mutation, located in coding exon 11 of the CHEK2 gene, results from a duplication of A at nucleotide position 1334, causing a translational frameshift with a predicted alternate stop codon (p.Y445*). This variant is considered to be rare based on population cohorts in the Genome Aggregation Database (gnomAD). This alteration is expected to result in loss of function by premature protein truncation or nonsense-mediated mRNA decay. As such, this alteration is interpreted as a disease-causing mutation.

Labcorp Genetics (formerly Invitae), Labcorp
Classification: Pathogenic for Familial cancer of breast. Last evaluated: 2022-04-07. Review status: criteria provided, single submitter. Criteria: Invitae Variant Classification Sherloc (09022015). Collection method: clinical testing. Allele origin: germline.
Comment: This sequence change creates a premature translational stop signal (p.Tyr445*) in the CHEK2 gene. It is expected to result in an absent or disrupted protein product. Loss-of-function variants in CHEK2 are known to be pathogenic (PMID: 21876083, 24713400). For these reasons, this variant has been classified as Pathogenic. ClinVar contains an entry for this variant (Variation ID: 818971). This variant has not been reported in the literature in individuals affected with CHEK2-related conditions. This variant is present in population databases (no rsID available, gnomAD 0.0009%).

Literature cited by the submitters: PubMed 21876083 (cited by Labcorp Genetics (formerly Invitae), Labcorp); PubMed 24713400 (cited by Labcorp Genetics (formerly Invitae), Labcorp).